The following is an entry in ClinVar:

ClinVar aggregate classification (germline): Uncertain significance (1 of 4 stars; one submission).

Allele frequency attached by ClinVar (database versions not stated): TOPMed 0.00001.
gnomAD v4.1: 26 of 1,614,234 alleles (0.0016%); highest among the groups gnomAD compares: South Asian, 0.0066%; no homozygotes.

Submission:

Labcorp Genetics (formerly Invitae), Labcorp
Classification: Uncertain significance. Last evaluated: 2022-08-10. Review status: criteria provided, single submitter. Criteria: Invitae Variant Classification Sherloc (09022015). Collection method: clinical testing. Allele origin: germline.
Comment: This variant has not been reported in the literature in individuals affected with UNC45A-related conditions. In summary, the available evidence is currently insufficient to determine the role of this variant in disease. Therefore, it has been classified as a Variant of Uncertain Significance. Algorithms developed to predict the effect of missense changes on protein structure and function are either unavailable or do not agree on the potential impact of this missense change (SIFT: "Not Available"; PolyPhen-2: "Benign"; Align-GVGD: "Not Available"). ClinVar contains an entry for this variant (Variation ID: 1350203). This variant is present in population databases (rs766977250, gnomAD 0.01%). This sequence change replaces glycine, which is neutral and non-polar, with serine, which is neutral and polar, at codon 466 of the UNC45A protein (p.Gly466Ser).

NM_018671.5(UNC45A):c.1396G>A (p.Gly466Ser)

Gene: UNC45A (unc-45 myosin chaperone A; plus strand). Cytogenetic location: 15q26.1.
Variant type: single nucleotide variant.
Coding change: c.1396G>A on transcript NM_018671.5 (MANE Select); coding-DNA position 1396, G replaced by A.
Protein change: p.Gly466Ser; replaces glycine 466 with serine.
Molecular consequence: missense variant.
Genome position (GRCh38, 1-based): chr15:90,946,810, G>A. VCF-style: chr15-90946810-G-A. GRCh37 (hg19) VCF-style: chr15-91490040-G-A.
Other names: c.1351G>A, p.Gly451Ser (NM_001039675.2, NM_001323621.2); c.1396G>A, p.Gly466Ser (NM_001323619.1); c.961G>A, p.Gly321Ser (NM_001323620.2); short protein forms G451S, G321S, G466S.
Identifiers: ClinVar variation 1350203 (VCV001350203.6), dbSNP rs766977250, ClinGen allele CA7742890.
Genomic context (GRCh38, chr15:90,946,810, plus strand): 5'-TGTGCCTCTGAGCAGGAGGAGGAGCAGCTGGTGGCCGTGGAGGCTCTGATCCATGCAGCC[G>A]GCAAGGCTAAGCGGGCCTCATTCATCACTGCCAATGGTGTCTCGCTGCTGAAGGACCTAT-3'
Protein context (NP_061141.2, residues 456-476): VAVEALIHAA[Gly466Ser]KAKRASFITA